The following is an entry in ClinVar:

NM_001853.4(COL9A3):c.1565AGC[3] (p.Gln523_Arg524insGln)

Genes: COL9A3 (collagen type IX alpha 3 chain; plus strand), LOC126863084 (MED14-independent group 3 enhancer GRCh37_chr20:61467141-61468340; plus strand). Cytogenetic location: 20q13.33.
Variant type: Microsatellite.
Coding change: c.1565AGC[3] on transcript NM_001853.4 (MANE Select); three copies in a row of the 3-base unit AGC starting at c.1565; the reference has two copies in a row; one copy, 3 bases duplicated.
Protein change: p.Gln523_Arg524insGln.
Molecular consequence: inframe insertion.
Genome position (GRCh38, 1-based): chr20:62,836,497-62,836,499, AGC duplicated; duplicating any 3 consecutive bases within chr20:62,836,494-62,836,499 gives the same sequence; the position shown is the placement nearest the transcript's 3' end. VCF-style (leftmost placement, unchanged base first): chr20-62836493-G-GAGC. GRCh37 (hg19) VCF-style: chr20-61467845-G-GAGC.
Identifiers: ClinVar variation 4725282 (VCV004725282.1).
Genomic context (GRCh38, chr20:62,836,493, plus strand): 5'-GAGGCTGCCGCCCCCATGCTGACGAATGTGTGGGGTGAATTCCAGGGGAAGGAGGCCAGC[G>GAGC]AGCAGCGCATCAGGGAGCTGTGTGGGGGGATGATCAGCGGTAAGTCAGCCACGTGCACCG-3'

ClinVar aggregate classification (germline): Uncertain significance (1 of 4 stars; one submission).

Submission:

Labcorp Genetics (formerly Invitae), Labcorp
Classification: Uncertain significance. Last evaluated: 2025-08-11. Review status: criteria provided, single submitter. Criteria: Invitae Variant Classification Sherloc (09022015). Collection method: clinical testing. Allele origin: germline.
Comment: This variant, c.1568_1570dup, results in the insertion of 1 amino acid(s) of the COL9A3 protein (p.Gln523dup), but otherwise preserves the integrity of the reading frame. This variant is not present in population databases (gnomAD no frequency). This variant has not been reported in the literature in individuals affected with COL9A3-related conditions. In summary, the available evidence is currently insufficient to determine the role of this variant in disease. Therefore, it has been classified as a Variant of Uncertain Significance.